The following is an entry in ClinVar:

NM_052845.4(MMAB):c.691G>T (p.Glu231Ter)

Gene: MMAB (metabolism of cobalamin associated B; minus strand). Cytogenetic location: 12q24.11.
Variant type: single nucleotide variant.
Coding change: c.691G>T on transcript NM_052845.4 (MANE Select); coding-DNA position 691, G replaced by T.
Protein change: p.Glu231Ter; replaces glutamic acid 231 with a stop codon.
Molecular consequence: nonsense. On other transcripts: non-coding transcript variant (1).
Genome position (GRCh38, 1-based): chr12:109,557,090, C>A on the plus strand (G>T on the coding strand, the complement: MMAB is on the minus strand). VCF-style: chr12-109557090-C-A. GRCh37 (hg19) VCF-style: chr12-109994895-C-A.
Other names: short protein forms E231*.
Identifiers: ClinVar variation 3574194 (VCV003574194.3).

ClinVar aggregate classification (germline): Pathogenic/Likely pathogenic. Review status: criteria provided, multiple submitters, no conflicts (2 of 4 stars). 2 submissions from 2 submitters: Pathogenic (1); Likely pathogenic (1). Last evaluated 2024-12-04.

Conditions:
Methylmalonic aciduria, cblB type (MACB). Also called: Methylmalonic acidemia cblB type; METHYLMALONIC ACIDURIA, VITAMIN B12-RESPONSIVE, DUE TO DEFECT IN SYNTHESIS OF ADENOSYLCOBALAMIN, cblB TYPE; Vitamin B12-responsive methylmalonic acidemia type cblB. Identifiers: Orphanet 28, Orphanet 79311, MedGen C1855102, MONDO:0009614, OMIM 251110.

Submissions (2):

Labcorp Genetics (formerly Invitae), Labcorp
Classification: Pathogenic for Methylmalonic aciduria, cblB type. Last evaluated: 2024-12-04. Review status: criteria provided, single submitter. Criteria: Invitae Variant Classification Sherloc (09022015). Collection method: clinical testing. Allele origin: germline.
Comment: This sequence change creates a premature translational stop signal (p.Glu231*) in the MMAB gene. While this is not anticipated to result in nonsense mediated decay, it is expected to disrupt the last 20 amino acid(s) of the MMAB protein. This variant is not present in population databases (gnomAD no frequency). This variant has not been reported in the literature in individuals affected with MMAB-related conditions. Algorithms developed to predict the effect of sequence changes on RNA splicing suggest that this variant may disrupt the consensus splice site. This variant disrupts a region of the MMAB protein in which other variant(s) (p.Gln234*) have been determined to be pathogenic (PMID: 16410054, 21604717). This suggests that this is a clinically significant region of the protein, and that variants that disrupt it are likely to be disease-causing. For these reasons, this variant has been classified as Pathogenic.

Fulgent Genetics
Classification: Likely pathogenic for Methylmalonic aciduria, cblB type. Last evaluated: 2024-02-12. Review status: criteria provided, single submitter. Criteria: ACMG Guidelines, 2015. Collection method: clinical testing. Allele origin: germline.

Literature cited by the submitters: PubMed 16410054 (cited by Labcorp Genetics (formerly Invitae), Labcorp); PubMed 21604717 (cited by Labcorp Genetics (formerly Invitae), Labcorp).